The following is an entry in ClinVar:

NM_014915.3(ANKRD26):c.2450GAA[1] (p.Arg818del)

Gene: ANKRD26 (ankyrin repeat domain 26; minus strand). Cytogenetic location: 10p12.1.
Variant type: Microsatellite.
Coding change: c.2450GAA[1] on transcript NM_014915.3 (MANE Select); one copy of the 3-base unit GAA starting at c.2450; the reference has two copies in a row; one copy, 3 bases deleted.
Protein change: p.Arg818del; deletes arginine 818.
Molecular consequence: inframe deletion.
Genome position (GRCh38, 1-based): chr10:27,037,975-27,037,977, TTC deleted on the plus strand (GAA on the coding strand, the reverse complement: ANKRD26 is on the minus strand); deleting any 3 consecutive bases within chr10:27,037,975-27,037,982 gives the same sequence; the position shown is the placement nearest the transcript's 3' end. VCF-style (leftmost placement, unchanged base first): chr10-27037974-TTTC-T. GRCh37 (hg19) VCF-style: chr10-27326903-TTTC-T.
Other names: c.2447GAA[1], p.Arg817del (NM_001256053.2); short protein forms R817del, R818del.
Identifiers: ClinVar variation 4693131 (VCV004693131.1).

ClinVar aggregate classification (germline): Uncertain significance (1 of 4 stars; one submission).

Submission:

Labcorp Genetics (formerly Invitae), Labcorp
Classification: Uncertain significance. Last evaluated: 2025-05-23. Review status: criteria provided, single submitter. Criteria: Invitae Variant Classification Sherloc (09022015). Collection method: clinical testing. Allele origin: germline.
Comment: This variant, c.2453_2455del, results in the deletion of 1 amino acid(s) of the ANKRD26 protein (p.Arg818del), but otherwise preserves the integrity of the reading frame. This variant is not present in population databases (gnomAD no frequency). This variant has not been reported in the literature in individuals affected with ANKRD26-related conditions. In summary, the available evidence is currently insufficient to determine the role of this variant in disease. Therefore, it has been classified as a Variant of Uncertain Significance.